The following is an entry in ClinVar:

ClinVar aggregate classification (germline): Uncertain significance (1 of 4 stars; one submission).

Allele frequency attached by ClinVar (database versions not stated): gnomAD exomes below 0.00001 and 0.00001; ExAC 0.00001.
gnomAD v4.1: 2 of 1,611,640 alleles (0.00012%); highest among the groups gnomAD compares: Admixed American, 0.0033%; no homozygotes.

Submission:

Labcorp Genetics (formerly Invitae), Labcorp
Classification: Uncertain significance. Last evaluated: 2023-01-31. Review status: criteria provided, single submitter. Criteria: Invitae Variant Classification Sherloc (09022015). Collection method: clinical testing. Allele origin: germline.
Comment: In summary, the available evidence is currently insufficient to determine the role of this variant in disease. Therefore, it has been classified as a Variant of Uncertain Significance. Algorithms developed to predict the effect of missense changes on protein structure and function output the following: SIFT: "Tolerated"; PolyPhen-2: "Benign"; Align-GVGD: "Class C0". The arginine amino acid residue is found in multiple mammalian species, which suggests that this missense change does not adversely affect protein function. ClinVar contains an entry for this variant (Variation ID: 1383279). This variant has not been reported in the literature in individuals affected with KL-related conditions. This variant is present in population databases (rs758180115, gnomAD 0.006%). This sequence change replaces glycine, which is neutral and non-polar, with arginine, which is basic and polar, at codon 102 of the KL protein (p.Gly102Arg).

NM_004795.4(KL):c.304G>C (p.Gly102Arg)

Gene: KL (klotho; plus strand). Cytogenetic location: 13q13.1.
Variant type: single nucleotide variant.
Coding change: c.304G>C on transcript NM_004795.4 (MANE Select); coding-DNA position 304, G replaced by C.
Protein change: p.Gly102Arg; replaces glycine 102 with arginine.
Molecular consequence: missense variant.
Genome position (GRCh38, 1-based): chr13:33,016,744, G>C. VCF-style: chr13-33016744-G-C. GRCh37 (hg19) VCF-style: chr13-33590882-G-C.
Other names: short protein forms G102R.
Identifiers: ClinVar variation 1383279 (VCV001383279.6), dbSNP rs758180115, ClinGen allele CA6943864.